The following is an entry in ClinVar:

ClinVar aggregate classification (germline): Likely pathogenic (1 of 4 stars; one submission).

Conditions:
Inborn genetic diseases. Identifiers: MedGen C0950123, MeSH D030342.

Submission:

Ambry Genetics
Classification: Likely pathogenic for Inborn genetic diseases. Last evaluated: 2023-06-16. Review status: criteria provided, single submitter. Criteria: Ambry Variant Classification Scheme 2023. Collection method: clinical testing. Allele origin: germline.
Comment: The c.1342T>C (p.Y448H) alteration is located in exon 8 (coding exon 7) of the MID1 gene. This alteration results from a T to C substitution at nucleotide position 1342, causing the tyrosine (Y) at amino acid position 448 to be replaced by a histidine (H). This variant was not reported in population-based cohorts in the Genome Aggregation Database (gnomAD). add internal coseg data to report This amino acid position is highly conserved in available vertebrate species. Internal structural analysis indicates that this alteration is structurally deleterious (Ambry internal data). The in silico prediction for this alteration is inconclusive. Based on the available evidence, this alteration is classified as likely pathogenic.

NM_000381.4(MID1):c.1342T>C (p.Tyr448His)

Gene: MID1 (midline 1; minus strand). Cytogenetic location: Xp22.2.
Variant type: single nucleotide variant.
Coding change: c.1342T>C on transcript NM_000381.4 (MANE Select); coding-DNA position 1342, T replaced by C.
Protein change: p.Tyr448His; replaces tyrosine 448 with histidine.
Molecular consequence: missense variant.
Genome position (GRCh38, 1-based): chrX:10,459,751, A>G on the plus strand (T>C on the coding strand, the complement: MID1 is on the minus strand). VCF-style: chrX-10459751-A-G. GRCh37 (hg19) VCF-style: chrX-10427791-A-G.
Other names: c.1342T>C, p.Tyr448His (NM_001098624.2, NM_001193277.1, NM_001347733.2 and 1 more transcripts); c.1228T>C, p.Tyr410His (NM_033289.2); short protein forms Y448H, Y410H.
Identifiers: ClinVar variation 589658 (VCV000589658.5), dbSNP rs1569270016, ClinGen allele CA412051291.